The following is an entry in ClinVar:

ClinVar aggregate classification (germline): Likely pathogenic (1 of 4 stars; one submission).

Conditions:
Tuberous sclerosis 1 (TSC1). Identifiers: Orphanet 805, MedGen C1854465, MONDO:0008612, OMIM 191100.

Submission:

Labcorp Genetics (formerly Invitae), Labcorp
Classification: Likely pathogenic for Tuberous sclerosis 1. Last evaluated: 2017-10-05. Review status: criteria provided, single submitter. Criteria: Invitae Variant Classification Sherloc (09022015). Collection method: clinical testing. Allele origin: germline.
Comment: In summary, the currently available evidence indicates that the variant is pathogenic, but additional data are needed to prove that conclusively. Therefore, this variant has been classified as Likely Pathogenic. Donor and acceptor splice site variants typically lead to a loss of protein function (PMID: 16199547), and loss-of-function variants in TSC1 are known to be pathogenic (PMID: 10227394, 17304050). Algorithms developed to predict the effect of sequence changes on RNA splicing suggest that this variant may disrupt the consensus splice site, but this prediction has not been confirmed by published transcriptional studies. This variant has not been reported in the literature in individuals with TSC1-related disease. This variant is not present in population databases (ExAC no frequency). This sequence change affects a donor splice site in intron 3 of the TSC1 gene. It is expected to disrupt RNA splicing and likely results in an absent or disrupted protein product.

Literature cited by the submitters: PubMed 16199547; PubMed 10227394; PubMed 17304050.

NM_000368.5(TSC1):c.106+2T>C

Gene: TSC1 (TSC complex subunit 1; minus strand). Cytogenetic location: 9q34.13.
Variant type: single nucleotide variant.
Coding change: c.106+2T>C on transcript NM_000368.5 (MANE Select); the canonical splice donor site of the intron after coding-DNA position 106, T replaced by C.
Molecular consequence: splice donor variant. On other transcripts: intron variant (2).
Genome position (GRCh38, 1-based): chr9:132,928,765, A>G on the plus strand (T>C on the coding strand, the complement: TSC1 is on the minus strand). VCF-style: chr9-132928765-A-G. GRCh37 (hg19) VCF-style: chr9-135804152-A-G.
Other names: c.-153-3026T>C (NM_001406620.1, NM_001406618.1); c.-154+2T>C (NM_001406625.1, NM_001406621.1, NM_001406617.1 and 3 more transcripts); c.106+2T>C (NM_001406613.1, NM_001406612.1, NM_001406610.1 and 21 more transcripts); c.-772+2T>C (NM_001406627.1, NM_001406628.1, NM_001406626.1); c.-914+2T>C (NM_001406629.1); c.-246+2T>C (NM_001406614.1); c.-988+2T>C (NM_001406630.1); c.-350+2T>C (NM_001406624.1, NM_001406616.1); and 1 more.
Identifiers: ClinVar variation 534464 (VCV000534464.7), dbSNP rs1554820976, ClinGen allele CA375375246.